The following is an entry in ClinVar:

ClinVar aggregate classification (germline): Uncertain significance (1 of 4 stars; one submission).

Conditions:
Hyperinsulinism-hyperammonemia syndrome (HHF6). Identifiers: Orphanet 35878, MedGen C1847555, MONDO:0011717, OMIM 606762.

Allele frequency attached by ClinVar (database versions not stated): gnomAD exomes 0.00001; ExAC 0.00002.
gnomAD v4.1: 2 of 1,613,990 alleles (0.00012%); highest among the groups gnomAD compares: South Asian, 0.0022%; no homozygotes.

Submission:

Labcorp Genetics (formerly Invitae), Labcorp
Classification: Uncertain significance for Hyperinsulinism-hyperammonemia syndrome. Last evaluated: 2021-12-08. Review status: criteria provided, single submitter. Criteria: Invitae Variant Classification Sherloc (09022015). Collection method: clinical testing. Allele origin: germline.
Comment: This variant has not been reported in the literature in individuals affected with GLUD1-related conditions. ClinVar contains an entry for this variant (Variation ID: 650460). Algorithms developed to predict the effect of missense changes on protein structure and function are either unavailable or do not agree on the potential impact of this missense change (SIFT: "Not Available"; PolyPhen-2: "Benign"; Align-GVGD: "Not Available"). In summary, the available evidence is currently insufficient to determine the role of this variant in disease. Therefore, it has been classified as a Variant of Uncertain Significance. This variant is present in population databases (rs777564388, gnomAD 0.006%). This sequence change replaces proline, which is neutral and non-polar, with leucine, which is neutral and non-polar, at codon 394 of the GLUD1 protein (p.Pro394Leu).

NM_005271.5(GLUD1):c.1181C>T (p.Pro394Leu)

Gene: GLUD1 (glutamate dehydrogenase 1; minus strand). Cytogenetic location: 10q23.2.
Variant type: single nucleotide variant.
Coding change: c.1181C>T on transcript NM_005271.5 (MANE Select); coding-DNA position 1181, C replaced by T.
Protein change: p.Pro394Leu; replaces proline 394 with leucine.
Molecular consequence: missense variant.
Genome position (GRCh38, 1-based): chr10:87,060,704, G>A on the plus strand (C>T on the coding strand, the complement: GLUD1 is on the minus strand). VCF-style: chr10-87060704-G-A. GRCh37 (hg19) VCF-style: chr10-88820461-G-A.
Other names: c.782C>T, p.Pro261Leu (NM_001318900.1); c.680C>T, p.Pro227Leu (NM_001318901.1, NM_001318902.1, NM_001318904.2 and 2 more transcripts); short protein forms P227L, P261L, P394L.
Identifiers: ClinVar variation 650460 (VCV000650460.6), dbSNP rs777564388, ClinGen allele CA5587506.